The following is an entry in ClinVar:

ClinVar aggregate classification (germline): Uncertain significance. Review status: criteria provided, multiple submitters, no conflicts (2 of 4 stars). 6 submissions from 6 submitters: Uncertain significance (6). Last evaluated 2026-01-27.

Conditions:
Catecholaminergic polymorphic ventricular tachycardia 1. Also called: RYR2-Related Catecholaminergic Polymorphic Ventricular Tachycardia; VENTRICULAR TACHYCARDIA, CATECHOLAMINERGIC POLYMORPHIC, 1, WITH OR WITHOUT ATRIAL DYSFUNCTION AND/OR DILATED CARDIOMYOPATHY; VENTRICULAR TACHYCARDIA, STRESS-INDUCED POLYMORPHIC 1. Identifiers: Orphanet 3286, MedGen C1631597, MONDO:0011484, OMIM 604772.
Cardiovascular phenotype. Identifiers: MedGen CN230736.
Catecholaminergic polymorphic ventricular tachycardia (CVPT). Also called: Catecholamine-induced polymorphic ventricular tachycardia. Identifiers: Orphanet 3286, MedGen C5574922, MONDO:0017990.
Cardiomyopathy (CMYO). Also called: Cardiomyopathies. Identifiers: Orphanet 167848, MedGen C0878544, MONDO:0004994, HP:0001638. Inheritance: Various modes of inheritance.

Allele frequency attached by ClinVar (database versions not stated): gnomAD 0.00001; TOPMed 0.00001; ExAC 0.00002; gnomAD exomes 0.00002.
gnomAD v4.1: 34 of 1,613,388 alleles (0.0021%); highest among the groups gnomAD compares: African/African-American, 0.0027%; no homozygotes.

Submissions (6):

Labcorp Genetics (formerly Invitae), Labcorp
Classification: Uncertain significance for Catecholaminergic polymorphic ventricular tachycardia 1. Last evaluated: 2026-01-27. Review status: criteria provided, single submitter. Criteria: Invitae Variant Classification Sherloc (09022015). Collection method: clinical testing. Allele origin: germline.
Comment: This sequence change replaces valine, which is neutral and non-polar, with isoleucine, which is neutral and non-polar, at codon 4768 of the RYR2 protein (p.Val4768Ile). This variant is present in population databases (rs775534249, gnomAD 0.003%). This missense change has been observed in individual(s) with catecholaminergic polymorphic ventricular tachycardia (PMID: 34546463). ClinVar contains an entry for this variant (Variation ID: 569751). Invitae Evidence Modeling of protein sequence and biophysical properties (such as structural, functional, and spatial information, amino acid conservation, physicochemical variation, residue mobility, and thermodynamic stability) indicates that this missense variant is not expected to disrupt RYR2 protein function with a negative predictive value of 95%. In summary, the available evidence is currently insufficient to determine the role of this variant in disease. Therefore, it has been classified as a Variant of Uncertain Significance.

Women's Health and Genetics/Laboratory Corporation of America, LabCorp
Classification: Uncertain significance. Last evaluated: 2024-12-24. Review status: criteria provided, single submitter. Criteria: LabCorp Variant Classification Summary - May 2015. Collection method: clinical testing. Allele origin: germline.
Comment: Variant summary: RYR2 c.14302G>A (p.Val4768Ile) results in a conservative amino acid change in the encoded protein sequence. Two of four in-silico tools predict a benign effect of the variant on protein function. The variant allele was found at a frequency of 1.6e-05 in 249196 control chromosomes (gnomAD). The available data on variant occurrences in the general population are insufficient to allow any conclusion about variant significance. c.14302G>A has been reported in the literature in one individual affected with Catecholaminergic Polymorphic Ventricular Tachycardia (Sarquella-Brugada_2021). The report does not provide unequivocal conclusions about association of the variant with Catecholaminergic Polymorphic Ventricular Tachycardia. To our knowledge, no experimental evidence demonstrating an impact on protein function has been reported. The following publication have been ascertained in the context of this evaluation (PMID: 34546463). ClinVar contains an entry for this variant (Variation ID: 569751). Based on the evidence outlined above, the variant was classified as uncertain significance.

Ambry Genetics
Classification: Uncertain significance for Cardiovascular phenotype. Last evaluated: 2024-06-13. Review status: criteria provided, single submitter. Criteria: Ambry Variant Classification Scheme 2023. Collection method: clinical testing. Allele origin: germline.
Comment: The p.V4768I variant (also known as c.14302G>A), located in coding exon 100 of the RYR2 gene, results from a G to A substitution at nucleotide position 14302. The valine at codon 4768 is replaced by isoleucine, an amino acid with highly similar properties. This alteration has been reported in an inherited channelopathy cohort (Sarquella-Brugada G et al. Hum Genet, 2021 Sep;[ePub ahead of print]). This amino acid position is well conserved in available vertebrate species. In addition, this alteration is predicted to be deleterious by in silico analysis. Since supporting evidence is limited at this time, the clinical significance of this alteration remains unclear.

All of Us Research Program, National Institutes of Health
Classification: Uncertain significance for Catecholaminergic polymorphic ventricular tachycardia. Last evaluated: 2024-05-30. Review status: criteria provided, single submitter. Criteria: ACMG Guidelines, 2015. Collection method: clinical testing. Allele origin: germline. Inheritance: Autosomal dominant inheritance. Observed: 7 variant alleles, 7 heterozygotes.
Comment: This missense variant replaces valine with isoleucine at codon 4768 of the RYR2 protein. Computational prediction is inconclusive regarding the impact of this variant on protein structure and function (internally defined REVEL score threshold 0.5 < inconclusive < 0.7, PMID: 27666373). To our knowledge, functional studies have not been reported for this variant. This variant has not been reported in individuals affected with cardiovascular disorders in the literature. This variant has been identified in 4/249196 chromosomes in the general population by the Genome Aggregation Database (gnomAD). The available evidence is insufficient to determine the role of this variant in disease conclusively. Therefore, this variant is classified as a Variant of Uncertain Significance.

This study involves interpretation of variants in research participants for the purpose of population health screening. Participant phenotype was not available at the time of variant classification. Additional details can be found in publication PMID: 35346344, PMCID: PMC8962531

Color Diagnostics, LLC DBA Color Health
Classification: Uncertain significance for Cardiomyopathy. Last evaluated: 2024-05-02. Review status: criteria provided, single submitter. Criteria: ACMG Guidelines, 2015. Collection method: clinical testing. Allele origin: germline.
Comment: This missense variant replaces valine with isoleucine at codon 4768 of the RYR2 protein. Computational prediction is inconclusive regarding the impact of this variant on protein structure and function (internally defined REVEL score threshold 0.5 < inconclusive < 0.7, PMID: 27666373). To our knowledge, functional studies have not been reported for this variant. This variant has not been reported in individuals affected with cardiovascular disorders in the literature. This variant has been identified in 4/249196 chromosomes in the general population by the Genome Aggregation Database (gnomAD). The available evidence is insufficient to determine the role of this variant in disease conclusively. Therefore, this variant is classified as a Variant of Uncertain Significance.

CHEO Genetics Diagnostic Laboratory, Children's Hospital of Eastern Ontario
Classification: Uncertain significance for Cardiomyopathy. Last evaluated: 2015-10-29. Review status: criteria provided, single submitter. Criteria: ACMG Guidelines, 2015. Collection method: clinical testing. Allele origin: germline. Study: Canadian Open Genetics Repository.

Literature cited by the submitters: PubMed 34546463 (cited by 3 submitters).

NM_001035.3(RYR2):c.14302G>A (p.Val4768Ile)

Gene: RYR2 (ryanodine receptor 2; plus strand). Cytogenetic location: 1q43.
Variant type: single nucleotide variant.
Coding change: c.14302G>A on transcript NM_001035.3 (MANE Select); coding-DNA position 14302, G replaced by A.
Protein change: p.Val4768Ile; replaces valine 4768 with isoleucine.
Molecular consequence: missense variant.
Genome position (GRCh38, 1-based): chr1:237,808,904, G>A. VCF-style: chr1-237808904-G-A. GRCh37 (hg19) VCF-style: chr1-237972204-G-A.
Other names: c.14302G>A, p.Val4768Ile (LRG_402t1); short protein forms V4768I.
Identifiers: ClinVar variation 569751 (VCV000569751.23), dbSNP rs775534249, ClinGen allele CA085643.